The following is an entry in ClinVar:

NM_004006.3(DMD):c.9022C>T (p.Gln3008Ter)

Gene: DMD (dystrophin; minus strand). Cytogenetic location: Xp21.2.
Variant type: single nucleotide variant.
Coding change: c.9022C>T on transcript NM_004006.3 (MANE Select); coding-DNA position 9022, C replaced by T.
Protein change: p.Gln3008Ter; replaces glutamine 3008 with a stop codon.
Molecular consequence: nonsense.
Genome position (GRCh38, 1-based): chrX:31,444,543, G>A on the plus strand (C>T on the coding strand, the complement: DMD is on the minus strand). VCF-style: chrX-31444543-G-A. GRCh37 (hg19) VCF-style: chrX-31462660-G-A.
Other names: c.1642C>T, p.Gln548Ter (NM_004021.3, NM_004022.3, NM_004023.3 and 2 more transcripts); c.8998C>T, p.Gln3000Ter (NM_000109.4); c.9010C>T, p.Gln3004Ter (NM_004009.3); c.8653C>T, p.Gln2885Ter (NM_004010.3); c.4999C>T, p.Gln1667Ter (NM_004011.4); c.4990C>T, p.Gln1664Ter (NM_004012.4); c.835C>T, p.Gln279Ter (NM_004014.3); short protein forms Q3000*, Q3008*, Q1664*, Q2885*, Q3004*, Q1667*, Q279*, Q548*.
Identifiers: ClinVar variation 803809 (VCV000803809.2), dbSNP rs1602937974, ClinGen allele CA412655162.

ClinVar aggregate classification (germline): Pathogenic. Review status: criteria provided, multiple submitters, no conflicts (2 of 4 stars). 2 submissions from 2 submitters: Pathogenic (2). Last evaluated 2023-08-06.

Conditions:
Duchenne muscular dystrophy (DMD). Also called: Duchenne Muscular Dystrophy (DMD); MUSCULAR DYSTROPHY, PSEUDOHYPERTROPHIC PROGRESSIVE, DUCHENNE TYPE. Identifiers: Orphanet 98896, MedGen C0013264, MONDO:0010679, OMIM 310200.
Progressive muscular dystrophy. Identifiers: Orphanet 206644, MedGen C4551827, MONDO:0016106.

Submissions (2):

Myriad Genetics, Inc.
Classification: Pathogenic for Progressive muscular dystrophy. Last evaluated: 2023-08-06. Review status: criteria provided, single submitter. Criteria: Myriad Autosomal Dominant, Autosomal Recessive and X-Linked Classification Criteria (2023). Collection method: clinical testing. Allele origin: unknown.
Comment: NM_004006.2(DMD):c.9022C>T(Q3008*) is expected to be pathogenic in the context of dystrophinopathy (including Duchenne/Becker muscular dystrophy). This variant is predicted to lead to an abnormal or absent protein product due to the creation of a premature termination codon in DMD, a gene where loss-of-function variants are known to be pathogenic. Please note: this variant was assessed in the context of healthy population screening.

Mendelics
Classification: Pathogenic for Duchenne muscular dystrophy. Last evaluated: 2019-05-28. Review status: criteria provided, single submitter. Criteria: Mendelics Assertion Criteria 2017. Collection method: clinical testing. Allele origin: unknown.